The following is an entry in ClinVar:

NM_003737.4(DCHS1):c.1880C>T (p.Pro627Leu)

Gene: DCHS1 (dachsous cadherin-related 1; minus strand). Cytogenetic location: 11p15.4.
Variant type: single nucleotide variant.
Coding change: c.1880C>T on transcript NM_003737.4 (MANE Select); coding-DNA position 1880, C replaced by T.
Protein change: p.Pro627Leu; replaces proline 627 with leucine.
Molecular consequence: missense variant.
Genome position (GRCh38, 1-based): chr11:6,634,224, G>A on the plus strand (C>T on the coding strand, the complement: DCHS1 is on the minus strand). VCF-style: chr11-6634224-G-A. GRCh37 (hg19) VCF-style: chr11-6655455-G-A.
Other names: c.1880C>T (NM_003737.2); short protein forms P627L.
Identifiers: ClinVar variation 1468347 (VCV001468347.8), dbSNP rs140047769, ClinGen allele CA5860867.

ClinVar aggregate classification (germline): Uncertain significance. Review status: criteria provided, multiple submitters, no conflicts (2 of 4 stars). 2 submissions from 2 submitters: Uncertain significance (2). Last evaluated 2025-10-19.

Conditions:
Inborn genetic diseases. Identifiers: MedGen C0950123, MeSH D030342.

Allele frequency attached by ClinVar (database versions not stated): gnomAD 0.00001; TOPMed 0.00005; gnomAD exomes 0.00006 and 0.00010; ExAC 0.00007; ESP Exome Variant Server 0.00008.

Submissions (2):

Labcorp Genetics (formerly Invitae), Labcorp
Classification: Uncertain significance. Last evaluated: 2025-10-19. Review status: criteria provided, single submitter. Criteria: Invitae Variant Classification Sherloc (09022015). Collection method: clinical testing. Allele origin: germline.
Comment: This sequence change replaces proline, which is neutral and non-polar, with leucine, which is neutral and non-polar, at codon 627 of the DCHS1 protein (p.Pro627Leu). This variant is present in population databases (rs140047769, gnomAD 0.02%). This variant has not been reported in the literature in individuals affected with DCHS1-related conditions. ClinVar contains an entry for this variant (Variation ID: 1468347). Invitae Evidence Modeling of protein sequence and biophysical properties (such as structural, functional, and spatial information, amino acid conservation, physicochemical variation, residue mobility, and thermodynamic stability) indicates that this missense variant is not expected to disrupt DCHS1 protein function with a negative predictive value of 80%. In summary, the available evidence is currently insufficient to determine the role of this variant in disease. Therefore, it has been classified as a Variant of Uncertain Significance.

Ambry Genetics
Classification: Uncertain significance for Inborn genetic diseases. Last evaluated: 2024-10-25. Review status: criteria provided, single submitter. Criteria: Ambry Variant Classification Scheme 2023. Collection method: clinical testing. Allele origin: germline.